The following is an entry in ClinVar:

NM_001356.5(DDX3X):c.104-23TA[6]

Gene: DDX3X (DEAD-box helicase 3 X-linked; plus strand). Cytogenetic location: Xp11.4.
Variant type: Microsatellite.
Coding change: c.104-23TA[6] on transcript NM_001356.5 (MANE Select); six copies in a row of the 2-base unit TA starting at c.104-23.
Molecular consequence: intron variant. On other transcripts: 5 prime UTR variant (1).
Genome position: GRCh38 VCF-style: chrX-41339012-TTA-T. GRCh37 (hg19) VCF-style: chrX-41198265-TTA-T.
Other names: c.-477AT[6] (NM_001363819.1); c.104-23TA[6] (NM_001193416.3); c.103+1548TA[6] (NM_001193417.3).
Identifiers: ClinVar variation 3059581 (VCV003059581.2), dbSNP rs200292033, ClinGen allele CA10389340.

ClinVar aggregate classification (germline): Benign (0 of 4 stars; one submission).

Conditions:
DDX3X-related disorder. Also called: DDX3X-related condition.

Submission:

PreventionGenetics, part of Exact Sciences
Classification: Benign for DDX3X-related condition. Last evaluated: 2019-03-21. Review status: no assertion criteria provided. Collection method: clinical testing. Allele origin: germline.
Comment: This variant is classified as benign based on ACMG/AMP sequence variant interpretation guidelines (Richards et al. 2015 PMID: 25741868, with internal and published modifications).